The following is an entry in ClinVar:

NM_183381.3(RNF13):c.875C>G (p.Ser292Ter)

Gene: RNF13 (ring finger protein 13; plus strand). Cytogenetic location: 3q25.1.
Variant type: single nucleotide variant.
Coding change: c.875C>G on transcript NM_183381.3 (MANE Select); coding-DNA position 875, C replaced by G.
Protein change: p.Ser292Ter; replaces serine 292 with a stop codon.
Molecular consequence: nonsense. On other transcripts: non-coding transcript variant (1).
Genome position (GRCh38, 1-based): chr3:149,960,833, C>G. VCF-style: chr3-149960833-C-G. GRCh37 (hg19) VCF-style: chr3-149678620-C-G.
Other names: c.875C>G, p.Ser292Ter (NM_001378285.1, NM_001378286.1, NM_007282.4); c.518C>G, p.Ser173Ter (NM_001378287.1, NM_001378288.1, NM_001378289.1 and 2 more transcripts); c.482C>G, p.Ser161Ter (NM_001378291.1); short protein forms S161*, S173*, S292*.
Identifiers: ClinVar variation 929451 (VCV000929451.1), dbSNP rs1722332295, ClinGen allele CA354935713.

ClinVar aggregate classification (germline): Uncertain significance (1 of 4 stars; one submission).

Submission:

HudsonAlpha Institute for Biotechnology
Classification: Uncertain significance. Last evaluated: 2020-04-23. Review status: criteria provided, single submitter. Criteria: ACMG Guidelines, 2015. Collection method: research. Allele origin: de novo. Observed: 1 variant allele. Study: CSER-SouthSeq.
Comment: ACMG codes: PM2